The following is an entry in ClinVar:

NM_005491.5(MAMLD1):c.*159T>C

Gene: MAMLD1 (mastermind like domain containing 1; plus strand). Cytogenetic location: Xq28.
Variant type: single nucleotide variant.
Coding change: c.*159T>C on transcript NM_005491.5 (MANE Select); 159 bases downstream of the stop codon, T replaced by C.
Molecular consequence: 3 prime UTR variant. On other transcripts: missense variant (2).
Genome position (GRCh38, 1-based): chrX:150,512,118, T>C. VCF-style: chrX-150512118-T-C. GRCh37 (hg19) VCF-style: chrX-149680388-T-C.
Other names: c.2042T>C, p.Met681Thr (NM_001177465.3); c.*159T>C (NM_001177466.3, NM_001400513.1, NM_001400514.1 and 1 more transcripts); c.2117T>C, p.Met706Thr (NM_001400512.1); short protein forms M681T, M706T.
Identifiers: ClinVar variation 1805237 (VCV001805237.1), dbSNP rs2521891866, ClinGen allele CA415250679.

ClinVar aggregate classification (germline): Uncertain significance (1 of 4 stars; one submission).

Conditions:
Hypospadias 2, X-linked (HYSP2). Identifiers: Orphanet 440, MedGen C2677879, MONDO:0010423, OMIM 300758.

Submission:

Victorian Clinical Genetics Services, Murdoch Childrens Research Institute
Classification: Uncertain significance for Hypospadias 2, X-linked. Last evaluated: 2022-02-02. Review status: criteria provided, single submitter. Criteria: ACMG Guidelines, 2015. Collection method: clinical testing. Allele origin: germline. Inheritance: X-linked recessive inheritance.
Comment: Based on the classification scheme VCGS_Germline_v1.3.4, this variant is classified as VUS-3C. Following criteria are met: 0102 - Loss of function is a known mechanism of disease in this gene and is associated with hypospadias 2 (MIM#300758). (I) 0109 - This gene is associated with X-linked recessive disease. (I) 0200 - Variant is predicted to result in a missense amino acid change from methionine to threonine. (I) 0219 - This variant is non-coding in an alternative transcript. This variant of exon 5 in transcript NM_001177465.2 is non-coding in the ClinVar predominant transcript, NM_005491.5. However, no pathogenic or likely pathogenic variants have been reported in this exon (ClinVar, UCSC, PMID: 32690052). (I) 0253 - This variant is hemizygous. (I) 0301 - Variant is absent from gnomAD (both v2 and v3). (SP) 0503 - Missense variant consistently predicted to be tolerated by multiple in silico tools or not conserved in placental mammals with a minor amino acid change. (SB) 0600 - Variant is located in the annotated long chain like alpha helix region (PMID: 33424767). (I) 0705 - No comparable missense variants have previous evidence for pathogenicity. (I) 0807 - This variant has no previous evidence of pathogenicity. (I) 0905 - No published segregation evidence has been identified for this variant. (I) 1007 - No published functional evidence has been identified for this variant. (I) 1102 - Strong phenotype match for this individual. (SP) 1208 - Inheritance information for this variant is not currently available in this individual. (I) Legend: (SP) - Supporting pathogenic, (I) - Information, (SB) - Supporting benign

Literature cited by the submitters: PubMed 32690052; PubMed 33424767.